The following is an entry in ClinVar:

NM_002473.6(MYH9):c.139A>G (p.Lys47Glu)

Gene: MYH9 (myosin heavy chain 9; minus strand). Cytogenetic location: 22q12.3.
Variant type: single nucleotide variant.
Coding change: c.139A>G on transcript NM_002473.6 (MANE Select); coding-DNA position 139, A replaced by G.
Protein change: p.Lys47Glu; replaces lysine 47 with glutamic acid.
Molecular consequence: missense variant.
Genome position (GRCh38, 1-based): chr22:36,349,098, T>C on the plus strand (A>G on the coding strand, the complement: MYH9 is on the minus strand). VCF-style: chr22-36349098-T-C. GRCh37 (hg19) VCF-style: chr22-36745143-T-C.
Other names: short protein forms K47E.
Identifiers: ClinVar variation 2768081 (VCV002768081.3), dbSNP rs2518022873, ClinGen allele CA411549457.

ClinVar aggregate classification (germline): Uncertain significance (1 of 4 stars; one submission).

Submission:

Labcorp Genetics (formerly Invitae), Labcorp
Classification: Uncertain significance. Last evaluated: 2023-10-22. Review status: criteria provided, single submitter. Criteria: Invitae Variant Classification Sherloc (09022015). Collection method: clinical testing. Allele origin: germline.
Comment: This sequence change replaces lysine, which is basic and polar, with glutamic acid, which is acidic and polar, at codon 47 of the MYH9 protein (p.Lys47Glu). This variant is not present in population databases (gnomAD no frequency). This variant has not been reported in the literature in individuals affected with MYH9-related conditions. Advanced modeling of protein sequence and biophysical properties (such as structural, functional, and spatial information, amino acid conservation, physicochemical variation, residue mobility, and thermodynamic stability) performed at Invitae indicates that this missense variant is not expected to disrupt MYH9 protein function. In summary, the available evidence is currently insufficient to determine the role of this variant in disease. Therefore, it has been classified as a Variant of Uncertain Significance.